The following is an entry in ClinVar:

NM_001845.6(COL4A1):c.320T>C (p.Leu107Pro)

Gene: COL4A1 (collagen type IV alpha 1 chain; minus strand). Cytogenetic location: 13q34.
Variant type: single nucleotide variant.
Coding change: c.320T>C on transcript NM_001845.6 (MANE Select); coding-DNA position 320, T replaced by C.
Protein change: p.Leu107Pro; replaces leucine 107 with proline.
Molecular consequence: missense variant.
Genome position (GRCh38, 1-based): chr13:110,212,578, A>G on the plus strand (T>C on the coding strand, the complement: COL4A1 is on the minus strand). VCF-style: chr13-110212578-A-G. GRCh37 (hg19) VCF-style: chr13-110864925-A-G.
Other names: c.320T>C, p.Leu107Pro (NM_001303110.2); short protein forms L107P.
Identifiers: ClinVar variation 4746063 (VCV004746063.1).

ClinVar aggregate classification (germline): Uncertain significance (1 of 4 stars; one submission).

Submission:

Labcorp Genetics (formerly Invitae), Labcorp
Classification: Uncertain significance. Last evaluated: 2025-05-19. Review status: criteria provided, single submitter. Criteria: Invitae Variant Classification Sherloc (09022015). Collection method: clinical testing. Allele origin: germline.
Comment: This sequence change replaces leucine, which is neutral and non-polar, with proline, which is neutral and non-polar, at codon 107 of the COL4A1 protein (p.Leu107Pro). This variant is not present in population databases (gnomAD no frequency). This variant has not been reported in the literature in individuals affected with COL4A1-related conditions. Invitae Evidence Modeling of protein sequence and biophysical properties (such as structural, functional, and spatial information, amino acid conservation, physicochemical variation, residue mobility, and thermodynamic stability) has been performed for this missense variant. However, the output from this modeling did not meet the statistical confidence thresholds required to predict the impact of this variant on COL4A1 protein function. In summary, the available evidence is currently insufficient to determine the role of this variant in disease. Therefore, it has been classified as a Variant of Uncertain Significance.